The following is an entry in ClinVar:

ClinVar aggregate classification (germline): Likely benign (0 of 4 stars; one submission).

Conditions:
CYP3A5-related disorder. Also called: CYP3A5-related condition.

Allele frequency attached by ClinVar (database versions not stated): 1000 Genomes Project 30x 0.00047; 1000 Genomes Project 0.00060; TOPMed 0.00147; ExAC 0.00159; gnomAD 0.00200; ESP Exome Variant Server 0.00208.
gnomAD v4.1: 3,344 of 1,613,844 alleles (0.21%); highest among the groups gnomAD compares: Non-Finnish European, 0.24%; 5 homozygotes.

Submission:

PreventionGenetics, part of Exact Sciences
Classification: Likely benign for CYP3A5-related condition. Last evaluated: 2021-08-26. Review status: no assertion criteria provided. Collection method: clinical testing. Allele origin: germline.
Comment: This variant is classified as likely benign based on ACMG/AMP sequence variant interpretation guidelines (Richards et al. 2015 PMID: 25741868, with internal and published modifications).

NM_000777.5(CYP3A5):c.299C>A (p.Ser100Tyr)

Genes: CYP3A5 (cytochrome P450 family 3 subfamily A member 5; minus strand), ZSCAN25 (zinc finger and SCAN domain containing 25; plus strand). Cytogenetic location: 7q22.1.
Variant type: single nucleotide variant.
Coding change: c.299C>A on transcript NM_000777.5 (MANE Select); coding-DNA position 299, C replaced by A.
Protein change: p.Ser100Tyr; replaces serine 100 with tyrosine.
Molecular consequence: missense variant. On other transcripts: 5 prime UTR variant (1), non-coding transcript variant (1).
Genome position (GRCh38, 1-based): chr7:99,672,599, G>T on the plus strand (C>A on the coding strand, the complement: CYP3A5 is on the minus strand). VCF-style: chr7-99672599-G-T. GRCh37 (hg19) VCF-style: chr7-99270222-G-T.
Other names: c.299C>A, p.Ser100Tyr (NM_001190484.3); c.-41C>A (NM_001291829.2); c.269C>A, p.Ser90Tyr (NM_001291830.2); short protein forms S100Y, S90Y.
Identifiers: ClinVar variation 3034613 (VCV003034613.2), dbSNP rs41279857, ClinGen allele CA4368696.